The following is an entry in ClinVar:

ClinVar aggregate classification (germline): Uncertain significance. Review status: criteria provided, multiple submitters, no conflicts (2 of 4 stars). 2 submissions from 2 submitters: Uncertain significance (2). Last evaluated 2025-08-22.

Conditions:
Hypertrophic cardiomyopathy. Also called: HYPERTROPHIC MYOCARDIOPATHY. Identifiers: Orphanet 217569, MedGen C0007194, MeSH D002312, MONDO:0005045, HP:0001639.
Cardiovascular phenotype. Identifiers: MedGen CN230736.

Allele frequency attached by ClinVar (database versions not stated): ESP Exome Variant Server 0.00008; 1000 Genomes Project 0.00020; 1000 Genomes Project 30x 0.00016.
gnomAD v4.1: 57 of 1,613,808 alleles (0.0035%); highest among the groups gnomAD compares: South Asian, 0.0011%; no homozygotes.

Submissions (2):

Ambry Genetics
Classification: Uncertain significance for Cardiovascular phenotype. Last evaluated: 2025-08-22. Review status: criteria provided, single submitter. Criteria: Ambry Variant Classification Scheme 2023. Collection method: clinical testing. Allele origin: germline.

Labcorp Genetics (formerly Invitae), Labcorp
Classification: Uncertain significance for Hypertrophic cardiomyopathy. Last evaluated: 2025-04-20. Review status: criteria provided, single submitter. Criteria: Invitae Variant Classification Sherloc (09022015). Collection method: clinical testing. Allele origin: germline.
Comment: This sequence change replaces serine, which is neutral and polar, with leucine, which is neutral and non-polar, at codon 101 of the MYOZ2 protein (p.Ser101Leu). This variant is present in population databases (rs138061447, gnomAD 0.1%), and has an allele count higher than expected for a pathogenic variant. This variant has not been reported in the literature in individuals affected with MYOZ2-related conditions. ClinVar contains an entry for this variant (Variation ID: 2887582). Invitae Evidence Modeling of protein sequence and biophysical properties (such as structural, functional, and spatial information, amino acid conservation, physicochemical variation, residue mobility, and thermodynamic stability) indicates that this missense variant is not expected to disrupt MYOZ2 protein function with a negative predictive value of 80%. In summary, the available evidence is currently insufficient to determine the role of this variant in disease. Therefore, it has been classified as a Variant of Uncertain Significance.

NM_016599.5(MYOZ2):c.302C>T (p.Ser101Leu)

Gene: MYOZ2 (myozenin 2; plus strand). Cytogenetic location: 4q26.
Variant type: single nucleotide variant.
Coding change: c.302C>T on transcript NM_016599.5 (MANE Select); coding-DNA position 302, C replaced by T.
Protein change: p.Ser101Leu; replaces serine 101 with leucine.
Molecular consequence: missense variant.
Genome position (GRCh38, 1-based): chr4:119,158,077, C>T. VCF-style: chr4-119158077-C-T. GRCh37 (hg19) VCF-style: chr4-120079232-C-T.
Other names: short protein forms S101L.
Identifiers: ClinVar variation 2887582 (VCV002887582.4), dbSNP rs138061447, ClinGen allele CA3058591.
Genomic context (GRCh38, chr4:119,158,077, plus strand): 5'-TACAGCACAGTATTGCTATGCAGAATGGGAAAGTGGATGGAAGTAACTTGGAAGGTGGTT[C>T]GCAGCAAGCCCCCTTGACTCCTCCCAACACCCCAGATCCACGAAGCCCTCCAAATCCAGA-3'
Protein context (NP_057683.1, residues 91-111): KVDGSNLEGG[Ser101Leu]QQAPLTPPNT